The following is an entry in ClinVar:

ClinVar aggregate classification (germline): Uncertain significance (1 of 4 stars; one submission).

Conditions:
Rhabdoid tumor predisposition syndrome 2 (RTPS2). Identifiers: Orphanet 231108, Orphanet 69077, MedGen C2750074, MONDO:0013224, OMIM 613325.

Submission:

Labcorp Genetics (formerly Invitae), Labcorp
Classification: Uncertain significance for Rhabdoid tumor predisposition syndrome 2. Last evaluated: 2022-07-29. Review status: criteria provided, single submitter. Criteria: Invitae Variant Classification Sherloc (09022015). Collection method: clinical testing. Allele origin: germline.
Comment: This variant has not been reported in the literature in individuals affected with SMARCA4-related conditions. This sequence change replaces glycine, which is neutral and non-polar, with valine, which is neutral and non-polar, at codon 1604 of the SMARCA4 protein (p.Gly1604Val). This variant is not present in population databases (gnomAD no frequency). Algorithms developed to predict the effect of missense changes on protein structure and function are either unavailable or do not agree on the potential impact of this missense change (SIFT: "Deleterious"; PolyPhen-2: "Benign"; Align-GVGD: "Class C0"). In summary, the available evidence is currently insufficient to determine the role of this variant in disease. Therefore, it has been classified as a Variant of Uncertain Significance.

NM_003072.5(SMARCA4):c.4715G>T (p.Gly1572Val)

Gene: SMARCA4 (SWI/SNF related BAF chromatin remodeling complex subunit ATPase 4; plus strand). Cytogenetic location: 19p13.2.
Variant type: single nucleotide variant.
Coding change: c.4715G>T on transcript NM_003072.5 (MANE Select); coding-DNA position 4715, G replaced by T.
Protein change: p.Gly1572Val; replaces glycine 1572 with valine.
Molecular consequence: missense variant. On other transcripts: non-coding transcript variant (1).
Genome position (GRCh38, 1-based): chr19:11,059,832, G>T. VCF-style: chr19-11059832-G-T. GRCh37 (hg19) VCF-style: chr19-11170508-G-T.
Other names: c.4613G>T, p.Gly1538Val (NM_001128848.2); c.4811G>T, p.Gly1604Val (NM_001128849.3, NM_001387283.1); c.4616G>T, p.Gly1539Val (NM_001374457.1, NM_001128847.4); c.4712G>T, p.Gly1571Val (NM_001411150.1); c.4715G>T, p.Gly1572Val (NM_001128844.3); c.4625G>T, p.Gly1542Val (NM_001128845.2); c.4622G>T, p.Gly1541Val (NM_001128846.2); short protein forms G1542V, G1571V, G1539V, G1541V, G1572V, G1604V, G1538V.
Identifiers: ClinVar variation 1908424 (VCV001908424.5), dbSNP rs2147115179, ClinGen allele CA404079543.